The following is an entry in ClinVar:

NM_201253.3(CRB1):c.2010T>A (p.Cys670Ter)

Gene: CRB1 (crumbs cell polarity complex component 1; plus strand). Cytogenetic location: 1q31.3.
Variant type: single nucleotide variant.
Coding change: c.2010T>A on transcript NM_201253.3 (MANE Select); coding-DNA position 2010, T replaced by A.
Protein change: p.Cys670Ter; replaces cysteine 670 with a stop codon.
Molecular consequence: nonsense. On other transcripts: non-coding transcript variant (2).
Genome position (GRCh38, 1-based): chr1:197,421,838, T>A. VCF-style: chr1-197421838-T-A. GRCh37 (hg19) VCF-style: chr1-197390968-T-A.
Other names: c.1674T>A, p.Cys558Ter (NM_001193640.2); c.1803T>A, p.Cys601Ter (NM_001257965.2); c.2010T>A, p.Cys670Ter (NM_001257966.2); short protein forms C558*, C601*, C670*.
Identifiers: ClinVar variation 4817053 (VCV004817053.1).
Genomic context (GRCh38, chr1:197,421,838, plus strand): 5'-GAATCACATTACCCTGGAGAACATCTCGTCTGGCTCATCATTAAATGTCAAGGCAGGCTG[T>A]GTGAGAAAGGATTGGTGTGAAAGCCAACCTTGTCAAAGCAGAGGACGCTGCATCAACTTG-3'

ClinVar aggregate classification (germline): Likely pathogenic (1 of 4 stars; one submission).

Conditions:
Leber congenital amaurosis (LCA). Also called: Leber's amaurosis. Identifiers: Orphanet 65, MedGen C0339527, MeSH D057130, MONDO:0018998.

Submission:

Natera, Inc.
Classification: Likely pathogenic for Leber congenital amaurosis. Last evaluated: 2025-07-21. Review status: criteria provided, single submitter. Criteria: Natera Variant Classification Schema (03/2026). Collection method: clinical testing. Allele origin: germline.
Comment: The c.2010T>A variant in CRB1 is a nonsense variant predicted to introduce a stop codon at amino acid 670. This variant is expected to result in nonsense mediated decay, truncation, or a dysfunctional protein product. This variant is rare in the general population with a frequency below the threshold expected for the associated phenotype(s). Given the available evidence, this variant is classified as Likely Pathogenic.